The following is an entry in ClinVar:

NM_024753.5(TTC21B):c.380C>T (p.Ala127Val)

Genes: TTC21B-AS1 (TTC21B antisense RNA 1; plus strand), TTC21B (tetratricopeptide repeat domain 21B; minus strand). Cytogenetic location: 2q24.3.
Variant type: single nucleotide variant.
Coding change: c.380C>T on transcript NM_024753.5 (MANE Select); coding-DNA position 380, C replaced by T.
Protein change: p.Ala127Val; replaces alanine 127 with valine.
Molecular consequence: missense variant.
Genome position (GRCh38, 1-based): chr2:165,945,573, G>A on the plus strand (C>T on the coding strand, the complement: TTC21B is on the minus strand). VCF-style: chr2-165945573-G-A. GRCh37 (hg19) VCF-style: chr2-166802083-G-A.
Other names: short protein forms A127V.
Identifiers: ClinVar variation 2681766 (VCV002681766.2), dbSNP rs1471348100.

ClinVar aggregate classification (germline): Uncertain significance (1 of 4 stars; one submission).

Conditions:
Nephronophthisis 12 (NPHP12). Identifiers: Orphanet 655, MedGen C3151186, MONDO:0013442, OMIM 613820.

Allele frequency attached by ClinVar (database versions not stated): TOPMed below 0.00001; gnomAD 0.00001.
gnomAD v4.1: 1 of 1,613,478 alleles (0.000062%); highest among the groups gnomAD compares: East Asian, 0.0022%; no homozygotes.

Submission:

Precision Medicine Center, Zhengzhou University
Classification: Uncertain significance for Nephronophthisis 12. Last evaluated: 2023-12-01. Review status: criteria provided, single submitter. Criteria: ACMG Guidelines, 2015. Collection method: clinical testing. Allele origin: maternal.
Comment: PM2_p,PP3